The following is an entry in ClinVar:

NM_033124.5(DRC2):c.399C>G (p.His133Gln)

Gene: DRC2 (dynein regulatory complex subunit 2; plus strand). Cytogenetic location: 12q13.12.
Variant type: single nucleotide variant.
Coding change: c.399C>G on transcript NM_033124.5 (MANE Select); coding-DNA position 399, C replaced by G.
Protein change: p.His133Gln; replaces histidine 133 with glutamine.
Molecular consequence: missense variant. On other transcripts: 5 prime UTR variant (1).
Genome position (GRCh38, 1-based): chr12:48,914,502, C>G. VCF-style: chr12-48914502-C-G. GRCh37 (hg19) VCF-style: chr12-49308285-C-G.
Other names: c.-31C>G (NM_001286957.2); short protein forms H133Q.
Identifiers: ClinVar variation 2003097 (VCV002003097.4), dbSNP rs2498835970, ClinGen allele CA384626078.

ClinVar aggregate classification (germline): Uncertain significance (1 of 4 stars; one submission).

Conditions:
Primary ciliary dyskinesia 27. Also called: CILIARY DYSKINESIA, PRIMARY, 27, WITHOUT SITUS INVERSUS. Identifiers: Orphanet 244, MedGen C3809701, MONDO:0014215, OMIM 615504.

Submission:

Labcorp Genetics (formerly Invitae), Labcorp
Classification: Uncertain significance for Primary ciliary dyskinesia 27. Last evaluated: 2022-06-07. Review status: criteria provided, single submitter. Criteria: Invitae Variant Classification Sherloc (09022015). Collection method: clinical testing. Allele origin: germline.
Comment: This sequence change replaces histidine, which is basic and polar, with glutamine, which is neutral and polar, at codon 133 of the CCDC65 protein (p.His133Gln). This variant is not present in population databases (gnomAD no frequency). This variant has not been reported in the literature in individuals affected with CCDC65-related conditions. Algorithms developed to predict the effect of missense changes on protein structure and function (SIFT, PolyPhen-2, Align-GVGD) all suggest that this variant is likely to be tolerated. In summary, the available evidence is currently insufficient to determine the role of this variant in disease. Therefore, it has been classified as a Variant of Uncertain Significance.